The following is an entry in ClinVar:

NM_000629.3(IFNAR1):c.286G>T (p.Val96Phe)

Gene: IFNAR1 (interferon alpha and beta receptor subunit 1; plus strand). Cytogenetic location: 21q22.11.
Variant type: single nucleotide variant.
Coding change: c.286G>T on transcript NM_000629.3 (MANE Select); coding-DNA position 286, G replaced by T.
Protein change: p.Val96Phe; replaces valine 96 with phenylalanine.
Molecular consequence: missense variant. On other transcripts: 5 prime UTR variant (2).
Genome position (GRCh38, 1-based): chr21:33,341,084, G>T. VCF-style: chr21-33341084-G-T. GRCh37 (hg19) VCF-style: chr21-34713390-G-T.
Other names: c.286G>T, p.Val96Phe (NM_001384498.1, NM_001384499.1, NM_001384501.1 and 1 more transcripts); c.-501G>T (NM_001384500.1); c.-177G>T (NM_001384502.1); c.79G>T, p.Val27Phe (NM_001384504.1); short protein forms V96F, V27F.
Identifiers: ClinVar variation 1503232 (VCV001503232.4), dbSNP rs781681455, ClinGen allele CA10006448.

ClinVar aggregate classification (germline): Uncertain significance (1 of 4 stars; one submission).

Allele frequency attached by ClinVar (database versions not stated): gnomAD exomes below 0.00001 and 0.00001; ExAC 0.00001; gnomAD 0.00001; TOPMed 0.00001.
gnomAD v4.1: 6 of 1,612,342 alleles (0.00037%); highest among the groups gnomAD compares: African/African-American, 0.0013%; no homozygotes.

Submission:

Labcorp Genetics (formerly Invitae), Labcorp
Classification: Uncertain significance. Last evaluated: 2022-07-26. Review status: criteria provided, single submitter. Criteria: Invitae Variant Classification Sherloc (09022015). Collection method: clinical testing. Allele origin: germline.
Comment: This sequence change replaces valine, which is neutral and non-polar, with phenylalanine, which is neutral and non-polar, at codon 96 of the IFNAR1 protein (p.Val96Phe). This variant is present in population databases (rs781681455, gnomAD 0.0009%). This variant has not been reported in the literature in individuals affected with IFNAR1-related conditions. ClinVar contains an entry for this variant (Variation ID: 1503232). Algorithms developed to predict the effect of missense changes on protein structure and function output the following: SIFT: "Deleterious"; PolyPhen-2: "Benign"; Align-GVGD: "Class C0". The phenylalanine amino acid residue is found in multiple mammalian species, which suggests that this missense change does not adversely affect protein function. In summary, the available evidence is currently insufficient to determine the role of this variant in disease. Therefore, it has been classified as a Variant of Uncertain Significance.